The following is an entry in ClinVar:

NM_024649.5(BBS1):c.223_224del (p.Leu75fs)

Gene: BBS1 (Bardet-Biedl syndrome 1; plus strand). Cytogenetic location: 11q13.2.
Variant type: Deletion.
Coding change: c.223_224del on transcript NM_024649.5 (MANE Select); coding-DNA positions 223 to 224, 2 bases deleted (CT; older notation c.223_224delCT).
Protein change: p.Leu75fs; shifts the reading frame from leucine 75.
Molecular consequence: frameshift variant.
Genome position (GRCh38, 1-based): chr11:66,514,469-66,514,470, CT deleted. VCF-style (leftmost placement, unchanged base first): chr11-66514468-ACT-A. GRCh37 (hg19) VCF-style: chr11-66281939-ACT-A.
Other names: c.223_224del (NM_024649.4); short protein forms L75fs.
Identifiers: ClinVar variation 370389 (VCV000370389.25), dbSNP rs1057516451, ClinGen allele CA16041521.

ClinVar aggregate classification (germline): Pathogenic. Review status: criteria provided, multiple submitters, no conflicts (2 of 4 stars). 7 submissions from 7 submitters: Pathogenic (5). 2 of the submissions do not count toward it. Last evaluated 2025-12-04.

Conditions:
BBS1-related disorder. Also called: BBS1-related condition.
Bardet-Biedl syndrome (BBS). Identifiers: Orphanet 110, MedGen C0752166, MONDO:0015229.
Bardet-Biedl syndrome 1 (BBS1). Identifiers: MedGen C2936862, MONDO:0008854, OMIM 209900. Disease mechanism: loss of function.

Allele frequency attached by ClinVar (database versions not stated): gnomAD exomes below 0.00001.

Submissions (7):

PreventionGenetics, part of Exact Sciences
Classification: Pathogenic for BBS1-related condition. Last evaluated: 2025-12-04. Review status: criteria provided, single submitter. Criteria: ACMG Guidelines, 2015. Collection method: clinical testing. Allele origin: germline.
Comment: The BBS1 c.223_224delCT variant is predicted to result in a frameshift and premature protein termination (p.Leu75Glyfs*23). This variant has been reported in individuals with Bardet-Biedl syndrome 1 (See for example, Beales et al. 2003. PubMed ID: 12677556; Janssen et al. 2010. PubMed ID: 21052717). This variant has not been reported in a large population database (gnomAD), indicating this variant is rare. Frameshift variants in BBS1 are expected to be pathogenic. This variant is interpreted as pathogenic.

Labcorp Genetics (formerly Invitae), Labcorp
Classification: Pathogenic for Bardet-Biedl syndrome. Last evaluated: 2024-04-07. Review status: criteria provided, single submitter. Criteria: Invitae Variant Classification Sherloc (09022015). Collection method: clinical testing. Allele origin: germline.
Comment: This sequence change creates a premature translational stop signal (p.Leu75Glyfs*23) in the BBS1 gene. It is expected to result in an absent or disrupted protein product. Loss-of-function variants in BBS1 are known to be pathogenic (PMID: 12118255, 21520335, 27032803). This variant is not present in population databases (gnomAD no frequency). This premature translational stop signal has been observed in individual(s) with Bardet-Biedl syndrome (PMID: 12677556, 21052717). This variant is also known as L75fsX98. ClinVar contains an entry for this variant (Variation ID: 370389). Algorithms developed to predict the effect of sequence changes on RNA splicing suggest that this variant may disrupt the consensus splice site. For these reasons, this variant has been classified as Pathogenic.

Women's Health and Genetics/Laboratory Corporation of America, LabCorp
Classification: Pathogenic for Bardet-Biedl syndrome. Last evaluated: 2022-05-25. Review status: criteria provided, single submitter. Criteria: LabCorp Variant Classification Summary - May 2015. Collection method: clinical testing. Allele origin: germline.
Comment: Variant summary: BBS1 c.223_224delCT (p.Leu75GlyfsX23) results in a premature termination codon, predicted to cause a truncation of the encoded protein or absence of the protein due to nonsense mediated decay, which are commonly known mechanisms for disease. Truncations downstream of this position have been classified as pathogenic by our laboratory. The variant was absent in 251146 control chromosomes (gnomAD). c.223_224delCT has been reported in the literature in individuals affected with Bardet-Biedl Syndrome (Beales_2003, Janssen_2011, Stone_2017). These data indicate that the variant is likely to be associated with disease. To our knowledge, no experimental evidence demonstrating an impact on protein function has been reported. Five ClinVar submitters (evaluation after 2014) cite the variant as pathogenic/likely pathogenic. Based on the evidence outlined above, the variant was classified as pathogenic.

Fulgent Genetics
Classification: Pathogenic for Bardet-Biedl syndrome 1. Last evaluated: 2021-06-30. Review status: criteria provided, single submitter. Criteria: ACMG Guidelines, 2015. Collection method: clinical testing. Allele origin: unknown.
Comment: This variant has been detected in individual(s) who were sent for testing of Renasight - kidney gene panel.

Blueprint Genetics
Classification: Pathogenic for BBS1-related disorders. Last evaluated: 2021-04-14. Review status: criteria provided, single submitter. Criteria: ACMG Guidelines, 2015. Collection method: clinical testing. Allele origin: germline. Affected: yes. Observed: 2 variant alleles.

Natera, Inc.
Classification: Pathogenic for Bardet-Biedl syndrome type 1. Last evaluated: 2020-05-08. Review status: no assertion criteria provided. Collection method: clinical testing. Allele origin: germline. Not counted in ClinVar's aggregate classification.

Counsyl
Classification: Likely pathogenic for Bardet-Biedl syndrome 1. Last evaluated: 2016-02-02. Review status: no assertion criteria provided. Collection method: clinical testing. Allele origin: unknown. Not counted in ClinVar's aggregate classification.

Literature cited by the submitters: PubMed 12118255 (cited by Labcorp Genetics (formerly Invitae), Labcorp); PubMed 21520335 (cited by Labcorp Genetics (formerly Invitae), Labcorp); PubMed 27032803 (cited by Labcorp Genetics (formerly Invitae), Labcorp); PubMed 12677556 (cited by 3 submitters); PubMed 21052717 (cited by 3 submitters); PubMed 28559085 (cited by Women's Health and Genetics/Laboratory Corporation of America, LabCorp).